The following is an entry in ClinVar:

NC_000016.9:g.(?_89836111)_(89839802_?)del

Gene: FANCA (FA complementation group A; minus strand). Cytogenetic location: 16q24.3.
Variant type: Deletion.
Identifiers: ClinVar variation 1451993 (VCV001451993.4).

ClinVar aggregate classification (germline): Pathogenic (1 of 4 stars; one submission).

Conditions:
Fanconi anemia (FA). Also called: Fanconi's anemia. Identifiers: Orphanet 84, MedGen C0015625, MeSH D005199, MONDO:0019391.

Submission:

Labcorp Genetics (formerly Invitae), Labcorp
Classification: Pathogenic for Fanconi anemia. Last evaluated: 2021-08-04. Review status: criteria provided, single submitter. Criteria: Invitae Variant Classification Sherloc (09022015). Collection method: clinical testing. Allele origin: germline.
Comment: For these reasons, this variant has been classified as Pathogenic. This variant has not been reported in the literature in individuals affected with FANCA-related conditions. This variant is a gross deletion of the genomic region encompassing exon(s) 22-26 of the FANCA gene. This deletion is out-of-frame, and is expected to create a premature translational stop signal and result in an absent or disrupted protein product. Loss-of-function variants in FANCA are known to be pathogenic (PMID: 19367192).

Literature cited by the submitters: PubMed 19367192.